The following is an entry in ClinVar:

ClinVar aggregate classification (germline): Likely benign. Review status: criteria provided, single submitter (1 of 4 stars). 2 submissions from 2 submitters: Likely benign (1). 1 of the submissions does not count toward it. Last evaluated 2022-10-25.

Conditions:
PLXNA2-related disorder. Also called: PLXNA2-related condition.

Allele frequency attached by ClinVar (database versions not stated): gnomAD exomes 0.00001 and 0.00002; ExAC 0.00004; gnomAD 0.00004; TOPMed 0.00009.
gnomAD v4.1: 20 of 1,613,782 alleles (0.0012%); highest among the groups gnomAD compares: African/African-American, 0.021%; no homozygotes.

Submissions (2):

Labcorp Genetics (formerly Invitae), Labcorp
Classification: Likely benign. Last evaluated: 2022-10-25. Review status: criteria provided, single submitter. Criteria: Invitae Variant Classification Sherloc (09022015). Collection method: clinical testing. Allele origin: germline.

PreventionGenetics, part of Exact Sciences
Classification: Likely benign for PLXNA2-related condition. Last evaluated: 2024-02-19. Review status: no assertion criteria provided. Collection method: clinical testing. Allele origin: germline. Not counted in ClinVar's aggregate classification.
Comment: This variant is classified as likely benign based on ACMG/AMP sequence variant interpretation guidelines (Richards et al. 2015 PMID: 25741868, with internal and published modifications).

NM_025179.4(PLXNA2):c.3174C>A (p.Pro1058=)

Gene: PLXNA2 (plexin A2; minus strand). Cytogenetic location: 1q32.2.
Variant type: single nucleotide variant.
Coding change: c.3174C>A on transcript NM_025179.4 (MANE Select); coding-DNA position 3174, C replaced by A.
Protein change: p.Pro1058=; no amino-acid change (proline 1058 retained).
Molecular consequence: synonymous variant.
Genome position (GRCh38, 1-based): chr1:208,051,090, G>T on the plus strand (C>A on the coding strand, the complement: PLXNA2 is on the minus strand). VCF-style: chr1-208051090-G-T. GRCh37 (hg19) VCF-style: chr1-208224435-G-T.
Other names: c.3174C>A (NM_025179.3).
Identifiers: ClinVar variation 1625126 (VCV001625126.9), dbSNP rs764071663, ClinGen allele CA1373250.